The following is an entry in ClinVar:

ClinVar aggregate classification (germline): Uncertain significance (1 of 4 stars; one submission).

gnomAD v4.1: 147 of 1,369,224 alleles (0.011%); highest among the groups gnomAD compares: East Asian, 0.2%; no homozygotes.

Submission:

GeneDx
Classification: Uncertain significance. Last evaluated: 2026-01-12. Review status: criteria provided, single submitter. Criteria: GeneDx Variant Classification Process June 2021. Collection method: clinical testing. Allele origin: germline.
Comment: Canonical splice site variant predicted to result in an in-frame loss of the adjacent exon in a gene for which loss of function is a known mechanism of disease; Has not been previously published as pathogenic or benign to our knowledge

NM_001039141.3(TRIOBP):c.-60-2A>C

Gene: TRIOBP (TRIO and F-actin binding protein; plus strand). Cytogenetic location: 22q13.1.
Variant type: single nucleotide variant.
Coding change: c.-60-2A>C on transcript NM_001039141.3 (MANE Select); the canonical splice acceptor site of the intron before 60 bases upstream of the start codon, A replaced by C.
Molecular consequence: splice acceptor variant.
Genome position (GRCh38, 1-based): chr22:37,701,304, A>C. VCF-style: chr22-37701304-A-C. GRCh37 (hg19) VCF-style: chr22-38097311-A-C.
Identifiers: ClinVar variation 3572473 (VCV003572473.2).